The following is an entry in ClinVar:

ClinVar aggregate classification (germline): Pathogenic (1 of 4 stars; one submission).

Conditions:
3-methylglutaconic aciduria with deafness, encephalopathy, and Leigh-like syndrome (MEGDEL). Also called: 3-METHYLGLUTACONIC ACIDURIA, TYPE VI; SERAC1 Deficiency; MEGDEL syndrome. Identifiers: Orphanet 352328, MedGen C4040739, MONDO:0013875, OMIM 614739.

Submission:

3billion
Classification: Pathogenic for 3-methylglutaconic aciduria with deafness, encephalopathy, and Leigh-like syndrome. Last evaluated: 2025-12-18. Review status: criteria provided, single submitter. Criteria: ACMG Guidelines, 2015. Collection method: clinical testing. Allele origin: germline. Affected: yes.
Comment: The variant is not observed in the gnomAD v4.1.0 dataset. Predicted Consequence/Location: Canonical splice site: predicted to alter splicing and result in a loss or disruption of normal protein function. Multiple pathogenic loss-of-function variants are reported downstream of the variant. In silico tools predict the variant to alter splicing and produce an abnormal transcript [SpliceAI: 0.99 (spliceogenicity >=0.2, non-spliceogenicity <0.1)]. The variant has been reported to be associated with SERAC1-related disorder (PMID: 28482397). Therefore, this variant is classified as Pathogenic according to the recommendation of ACMG/AMP guideline.

Literature cited by the submitters: PubMed 28482397.

NM_032861.4(SERAC1):c.1404-2A>G

Gene: SERAC1 (serine active site containing 1; minus strand). Cytogenetic location: 6q25.3.
Variant type: single nucleotide variant.
Coding change: c.1404-2A>G on transcript NM_032861.4 (MANE Select); the canonical splice acceptor site of the intron before coding-DNA position 1404, A replaced by G.
Molecular consequence: splice acceptor variant.
Genome position (GRCh38, 1-based): chr6:158,116,284, T>C on the plus strand (A>G on the coding strand, the complement: SERAC1 is on the minus strand). VCF-style: chr6-158116284-T-C. GRCh37 (hg19) VCF-style: chr6-158537316-T-C.
Identifiers: ClinVar variation 4855007 (VCV004855007.1).